The following is an entry in ClinVar:

NM_001127255.2(NLRP7):c.251G>A (p.Cys84Tyr)

Gene: NLRP7 (NLR family pyrin domain containing 7; minus strand). Cytogenetic location: 19q13.42.
Variant type: single nucleotide variant.
Coding change: c.251G>A on transcript NM_001127255.2 (MANE Select); coding-DNA position 251, G replaced by A.
Protein change: p.Cys84Tyr; replaces cysteine 84 with tyrosine.
Molecular consequence: missense variant.
Genome position (GRCh38, 1-based): chr19:54,941,461, C>T on the plus strand (G>A on the coding strand, the complement: NLRP7 is on the minus strand). VCF-style: chr19-54941461-C-T. GRCh37 (hg19) VCF-style: chr19-55452829-C-T.
Other names: c.251G>A, p.Cys84Tyr (NM_001405531.1, NM_139176.4, NM_206828.4); short protein forms C84Y.
Identifiers: ClinVar variation 97761 (VCV000097761.9), dbSNP rs104895509, ClinGen allele CA150052.

ClinVar aggregate classification (germline): Conflicting classifications of pathogenicity. Review status: criteria provided, conflicting classifications (1 of 4 stars). 4 submissions from 4 submitters: Uncertain significance (1); Likely benign (1). 2 of the submissions do not count toward it. Last evaluated 2026-07-01.

Conditions:
Oocyte/zygote/embryo maturation arrest 25. Identifiers: MedGen C6065949, MONDO:0980964, OMIM 621471.
Hydatidiform mole, recurrent, 1 (HYDM1). Identifiers: Orphanet 254688, Orphanet 99927, MedGen C3463897, MONDO:0009273, OMIM 231090. Disease mechanism: loss of function.

Allele frequency attached by ClinVar (database versions not stated): ESP Exome Variant Server 0.00008; gnomAD exomes 0.00010 and 0.00045; TOPMed 0.00027; gnomAD 0.00032 and 0.00033; ExAC 0.00039; 1000 Genomes Project 30x 0.00109; 1000 Genomes Project 0.00140.
gnomAD v4.1: 286 of 1,599,190 alleles (0.018%); highest among the groups gnomAD compares: East Asian, 0.36%; 3 homozygotes.

Submissions (4):

CeGaT Center for Human Genetics Tuebingen
Classification: Likely benign. Last evaluated: 2026-07-01. Review status: criteria provided, single submitter. Criteria: CeGaT Center For Human Genetics Tuebingen Variant Classification Criteria Version 2. Collection method: clinical testing. Allele origin: germline. Affected: yes. Observed: 1 variant allele.
Comment: NLRP7: BP4

Illumina Laboratory Services, Illumina
Classification: Uncertain significance for Hydatidiform mole, recurrent, 1. Last evaluated: 2018-01-09. Review status: criteria provided, single submitter. Criteria: ICSL Variant Classification Criteria 13 December 2019. Collection method: clinical testing. Allele origin: germline.
Comment: This variant was observed as part of a predisposition screen in an ostensibly healthy population. A literature search was performed for the gene, cDNA change, and amino acid change (where applicable). Publications were found based on this search. However, the evidence from the literature, in combination with allele frequency data from public databases where available, was not sufficient to rule this variant in or out of causing disease. Therefore, this variant is classified as a variant of unknown significance.

State Key Laboratory of Reproductive Medicine and Offspring Health, Nanjing Medical University
Classification: Likely pathogenic for Oocyte/zygote/embryo maturation arrest 25. Last evaluated: 2026-03-16. Review status: no assertion criteria provided. Collection method: clinical testing. Allele origin: paternal. Affected: yes. Not counted in ClinVar's aggregate classification.

Unité médicale des maladies autoinflammatoires, CHRU Montpellier
No classification provided. Condition: Hydatidiform mole. Review status: no classification provided. Collection method: not provided. Allele origin: unknown. Not counted in ClinVar's aggregate classification.

Literature cited by the submitters: PubMed 21659348 (cited by Illumina Laboratory Services, Illumina); PubMed 19066229 (cited by Illumina Laboratory Services, Illumina); PubMed 23065465 (cited by Illumina Laboratory Services, Illumina); PubMed 21507883 (cited by Illumina Laboratory Services, Illumina); PubMed 37148315 (cited by State Key Laboratory of Reproductive Medicine and Offspring Health, Nanjing Medical University).